The following is an entry in ClinVar:

ClinVar aggregate classification (germline): Likely benign (0 of 4 stars; one submission).

Conditions:
PUM1-related disorder. Also called: PUM1-related condition; PUM1-related disorders.

Allele frequency attached by ClinVar (database versions not stated): gnomAD 0.00001; gnomAD exomes 0.00003.
gnomAD v4.1: 51 of 1,613,068 alleles (0.0032%); highest among the groups gnomAD compares: Admixed American, 0.005%; no homozygotes.

Submission:

PreventionGenetics, part of Exact Sciences
Classification: Likely benign for PUM1-related condition. Last evaluated: 2019-06-14. Review status: no assertion criteria provided. Collection method: clinical testing. Allele origin: germline.
Comment: This variant is classified as likely benign based on ACMG/AMP sequence variant interpretation guidelines (Richards et al. 2015 PMID: 25741868, with internal and published modifications).

NM_001020658.2(PUM1):c.366G>A (p.Val122=)

Gene: PUM1 (pumilio RNA binding family member 1; minus strand). Cytogenetic location: 1p35.2.
Variant type: single nucleotide variant.
Coding change: c.366G>A on transcript NM_001020658.2 (MANE Select); coding-DNA position 366, G replaced by A.
Protein change: p.Val122=; no amino-acid change (valine 122 retained).
Molecular consequence: synonymous variant.
Genome position (GRCh38, 1-based): chr1:31,028,862, C>T on the plus strand (G>A on the coding strand, the complement: PUM1 is on the minus strand). VCF-style: chr1-31028862-C-T. GRCh37 (hg19) VCF-style: chr1-31501709-C-T.
Other names: c.366G>A, p.Val122= (NM_014676.3).
Identifiers: ClinVar variation 3034180 (VCV003034180.2), dbSNP rs938747224, ClinGen allele CA20106699.